The following is an entry in ClinVar:

NM_030665.4(RAI1):c.1687G>A (p.Asp563Asn)

Gene: RAI1 (retinoic acid induced 1; plus strand). Cytogenetic location: 17p11.2.
Variant type: single nucleotide variant.
Coding change: c.1687G>A on transcript NM_030665.4 (MANE Select); coding-DNA position 1687, G replaced by A.
Protein change: p.Asp563Asn; replaces aspartic acid 563 with asparagine.
Molecular consequence: missense variant.
Genome position (GRCh38, 1-based): chr17:17,794,635, G>A. VCF-style: chr17-17794635-G-A. GRCh37 (hg19) VCF-style: chr17-17697949-G-A.
Other names: c.1687G>A (NM_030665.3); short protein forms D563N.
Identifiers: ClinVar variation 2037190 (VCV002037190.5), dbSNP rs376439421, ClinGen allele CA8418381.
Genomic context (GRCh38, chr17:17,794,635, plus strand): 5'-AACAGCAACTCGAAGGCCAAGCCCGAGTCCGTGTCCACCTGTTCTGTGACCTCTCCTGAC[G>A]ACATGTCCACCAAATCTGACGACTCCTTCCAGAGCCTACACGGCAGTCTGCCGCTCGACA-3'
Protein context (NP_109590.3, residues 553-573): VSTCSVTSPD[Asp563Asn]MSTKSDDSFQ

ClinVar aggregate classification (germline): Conflicting classifications of pathogenicity. Review status: criteria provided, conflicting classifications (1 of 4 stars). 2 submissions from 2 submitters: Uncertain significance (1); Benign (1). Last evaluated 2025-11-01.

Conditions:
RAI1-related disorder. Also called: RAI1-related condition.

Allele frequency attached by ClinVar (database versions not stated): TOPMed 0.00002; ExAC 0.00003; ESP Exome Variant Server 0.00008; gnomAD exomes 0.00001; gnomAD 0.00002.
gnomAD v4.1: 12 of 1,612,938 alleles (0.00074%); highest among the groups gnomAD compares: Admixed American, 0.005%; no homozygotes.

Submissions (2):

Labcorp Genetics (formerly Invitae), Labcorp
Classification: Benign. Last evaluated: 2025-11-01. Review status: criteria provided, single submitter. Criteria: Invitae Variant Classification Sherloc (09022015). Collection method: clinical testing. Allele origin: germline.

PreventionGenetics, part of Exact Sciences
Classification: Uncertain significance for RAI1-related condition. Last evaluated: 2024-12-23. Review status: criteria provided, single submitter. Criteria: ACMG Guidelines, 2015. Collection method: clinical testing. Allele origin: germline.
Comment: The RAI1 c.1687G>A variant is predicted to result in the amino acid substitution p.Asp563Asn. To our knowledge, this variant has not been reported in the literature. This variant is reported in 0.0029% of alleles in individuals of Latino descent in gnomAD. At this time, the clinical significance of this variant is uncertain due to the absence of conclusive functional and genetic evidence.